The following is an entry in ClinVar:

NM_000075.4(CDK4):c.194C>G (p.Ala65Gly)

Genes: CDK4 (cyclin dependent kinase 4; minus strand), LOC130008148 (ATAC-STARR-seq lymphoblastoid silent region 4588; plus strand). Cytogenetic location: 12q14.1.
Variant type: single nucleotide variant.
Coding change: c.194C>G on transcript NM_000075.4 (MANE Select); coding-DNA position 194, C replaced by G.
Protein change: p.Ala65Gly; replaces alanine 65 with glycine.
Molecular consequence: missense variant.
Genome position (GRCh38, 1-based): chr12:57,751,524, G>C on the plus strand (C>G on the coding strand, the complement: CDK4 is on the minus strand). VCF-style: chr12-57751524-G-C. GRCh37 (hg19) VCF-style: chr12-58145307-G-C.
Other names: short protein forms A65G.
Identifiers: ClinVar variation 4803062 (VCV004803062.1).

ClinVar aggregate classification (germline): Uncertain significance (1 of 4 stars; one submission).

Conditions:
Familial melanoma. Also called: Hereditary melanoma; Hereditary cutaneous melanoma. Identifiers: Orphanet 618, MedGen C1512419, MONDO:0018961.

Submission:

Labcorp Genetics (formerly Invitae), Labcorp
Classification: Uncertain significance for Familial melanoma. Last evaluated: 2025-08-06. Review status: criteria provided, single submitter. Criteria: Invitae Variant Classification Sherloc (09022015). Collection method: clinical testing. Allele origin: germline.
Comment: This sequence change replaces alanine, which is neutral and non-polar, with glycine, which is neutral and non-polar, at codon 65 of the CDK4 protein (p.Ala65Gly). This variant is not present in population databases (gnomAD no frequency). This variant has not been reported in the literature in individuals affected with CDK4-related conditions. Invitae Evidence Modeling of protein sequence and biophysical properties (such as structural, functional, and spatial information, amino acid conservation, physicochemical variation, residue mobility, and thermodynamic stability) indicates that this missense variant is not expected to disrupt CDK4 protein function with a negative predictive value of 95%. In summary, the available evidence is currently insufficient to determine the role of this variant in disease. Therefore, it has been classified as a Variant of Uncertain Significance.